The following is an entry in ClinVar:

NM_001354712.2(THRB):c.*2637G>T

Gene: THRB (thyroid hormone receptor beta; minus strand). Cytogenetic location: 3p24.2.
Variant type: single nucleotide variant.
Coding change: c.*2637G>T on transcript NM_001354712.2 (MANE Select); 2637 bases downstream of the stop codon, G replaced by T.
Molecular consequence: 3 prime UTR variant.
Genome position (GRCh38, 1-based): chr3:24,120,247, C>A on the plus strand (G>T on the coding strand, the complement: THRB is on the minus strand). VCF-style: chr3-24120247-C-A. GRCh37 (hg19) VCF-style: chr3-24161738-C-A.
Other names: c.*2637G>T (NM_000461.5, NM_001128176.3, NM_001128177.2 and 8 more transcripts).
Identifiers: ClinVar variation 344587 (VCV000344587.5), dbSNP rs184507648, ClinGen allele CA10617950.

ClinVar aggregate classification (germline): Benign (1 of 4 stars; one submission).

Conditions:
Thyroid hormone resistance, generalized, autosomal dominant (GRTHD). Also called: HYPERTHYROXINEMIA, FAMILIAL EUTHYROID, SECONDARY TO PITUITARY AND PERIPHERAL RESISTANCE TO THYROID HORMONES. Identifiers: MedGen C2937288, MONDO:0008569, OMIM 188570.

Allele frequency attached by ClinVar (database versions not stated): TOPMed 0.00009; 1000 Genomes Project 0.00040; 1000 Genomes Project 30x 0.00047.

Submission:

Illumina Laboratory Services, Illumina
Classification: Benign for Thyroid hormone resistance, generalized, autosomal dominant. Last evaluated: 2018-01-12. Review status: criteria provided, single submitter. Criteria: ICSL Variant Classification Criteria 13 December 2019. Collection method: clinical testing. Allele origin: germline.
Comment: This variant was observed in the ICSL laboratory as part of a predisposition screen in an ostensibly healthy population. It had not been previously curated by ICSL or reported in the Human Gene Mutation Database (HGMD: prior to June 1st, 2018), and was therefore a candidate for classification through an automated scoring system. Utilizing variant allele frequency, disease prevalence and penetrance estimates, and inheritance mode, an automated score was calculated to assess if this variant is too frequent to cause the disease. Based on the score and internal cut-off values, a variant classified as benign is not then subjected to further curation. The score for this variant resulted in a classification of benign for this disease.